The following is an entry in ClinVar:

NM_003803.4(MYOM1):c.4881_4910del (p.Arg1627_Val1636del)

Gene: MYOM1 (myomesin 1; minus strand). Cytogenetic location: 18p11.31.
Variant type: Deletion.
Coding change: c.4881_4910del on transcript NM_003803.4 (MANE Select); coding-DNA positions 4881 to 4910, 30 bases deleted (GACCGCGTACTTCACCATCAACGGCGTGAG).
Protein change: p.Arg1627_Val1636del.
Molecular consequence: inframe deletion.
Genome position (GRCh38, 1-based): chr18:3,067,410-3,067,439, CTCACGCCGTTGATGGTGAAGTACGCGGTC deleted on the plus strand (GACCGCGTACTTCACCATCAACGGCGTGAG on the coding strand, the reverse complement: MYOM1 is on the minus strand); deleting any 30 consecutive bases within chr18:3,067,410-3,067,442 gives the same sequence; the c. name uses the placement nearest the transcript's 3' end. VCF-style (leftmost placement, unchanged base first): chr18-3067409-GCTCACGCCGTTGATGGTGAAGTACGCGGTC-G. GRCh37 (hg19) VCF-style: chr18-3067407-GCTCACGCCGTTGATGGTGAAGTACGCGGTC-G.
Other names: c.4593_4622del, p.Arg1531_Val1540del (NM_019856.2).
Identifiers: ClinVar variation 4749792 (VCV004749792.1).

ClinVar aggregate classification (germline): Uncertain significance (1 of 4 stars; one submission).

Conditions:
Hypertrophic cardiomyopathy. Also called: HYPERTROPHIC MYOCARDIOPATHY. Identifiers: Orphanet 217569, MedGen C0007194, MeSH D002312, MONDO:0005045, HP:0001639.

Submission:

Labcorp Genetics (formerly Invitae), Labcorp
Classification: Uncertain significance for Hypertrophic cardiomyopathy. Last evaluated: 2025-07-02. Review status: criteria provided, single submitter. Criteria: Invitae Variant Classification Sherloc (09022015). Collection method: clinical testing. Allele origin: germline.
Comment: This variant, c.4881_4910del, results in the deletion of 10 amino acid(s) of the MYOM1 protein (p.Arg1627_Val1636del), but otherwise preserves the integrity of the reading frame. This variant is not present in population databases (gnomAD no frequency). This variant has not been reported in the literature in individuals affected with MYOM1-related conditions. Experimental studies and prediction algorithms are not available or were not evaluated, and the functional significance of this variant is currently unknown. In summary, the available evidence is currently insufficient to determine the role of this variant in disease. Therefore, it has been classified as a Variant of Uncertain Significance.